The following is an entry in ClinVar:

NM_005726.6(TSFM):c.604G>C (p.Ala202Pro)

Gene: TSFM (Ts translation elongation factor, mitochondrial; plus strand). Cytogenetic location: 12q14.1.
Variant type: single nucleotide variant.
Coding change: c.604G>C on transcript NM_005726.6 (MANE Select); coding-DNA position 604, G replaced by C.
Protein change: p.Ala202Pro; replaces alanine 202 with proline.
Molecular consequence: missense variant. On other transcripts: 3 prime UTR variant (1), intron variant (1).
Genome position (GRCh38, 1-based): chr12:57,796,209, G>C. VCF-style: chr12-57796209-G-C. GRCh37 (hg19) VCF-style: chr12-58189992-G-C.
Other names: c.*12G>C (NM_001172695.2); c.667G>C, p.Ala223Pro (NM_001172696.2); c.571+3136G>C (NM_001172697.2); c.667G>C (NM_001172696.1); short protein forms A202P, A223P.
Identifiers: ClinVar variation 2045642 (VCV002045642.2), dbSNP rs1177606922, ClinGen allele CA385529920.

ClinVar aggregate classification (germline): Uncertain significance. Review status: criteria provided, multiple submitters, no conflicts (2 of 4 stars). 2 submissions from 2 submitters: Uncertain significance (2). Last evaluated 2023-02-24.

Allele frequency attached by ClinVar (database versions not stated): gnomAD 0.00001; gnomAD exomes 0.00002; TOPMed 0.00002.
gnomAD v4.1: 30 of 1,590,974 alleles (0.0019%); highest among the groups gnomAD compares: Non-Finnish European, 0.0024%; no homozygotes.

Submissions (2):

GeneDx
Classification: Uncertain significance. Last evaluated: 2023-02-24. Review status: criteria provided, single submitter. Criteria: GeneDx Variant Classification Process June 2021. Collection method: clinical testing. Allele origin: germline. Affected: yes.
Comment: Not observed at significant frequency in large population cohorts (gnomAD); In silico analysis supports that this missense variant has a deleterious effect on protein structure/function; Has not been previously published as pathogenic or benign to our knowledge

Labcorp Genetics (formerly Invitae), Labcorp
Classification: Uncertain significance. Last evaluated: 2022-02-08. Review status: criteria provided, single submitter. Criteria: Invitae Variant Classification Sherloc (09022015). Collection method: clinical testing. Allele origin: germline.
Comment: This sequence change replaces alanine, which is neutral and non-polar, with proline, which is neutral and non-polar, at codon 223 of the TSFM protein (p.Ala223Pro). This variant is present in population databases (no rsID available, gnomAD 0.004%). This variant has not been reported in the literature in individuals affected with TSFM-related conditions. Algorithms developed to predict the effect of missense changes on protein structure and function are either unavailable or do not agree on the potential impact of this missense change (SIFT: "Deleterious"; PolyPhen-2: "Probably Damaging"; Align-GVGD: "Class C0"). In summary, the available evidence is currently insufficient to determine the role of this variant in disease. Therefore, it has been classified as a Variant of Uncertain Significance.